The following is an entry in ClinVar:

ClinVar aggregate classification (germline): Uncertain significance (1 of 4 stars; one submission).

Conditions:
Hereditary cancer-predisposing syndrome. Also called: Hereditary neoplastic syndrome; Neoplastic Syndromes, Hereditary; Tumor predisposition; Hereditary Cancer Syndrome. Identifiers: Orphanet 140162, MedGen C0027672, MeSH D009386, MONDO:0015356.

Submission:

Ambry Genetics
Classification: Uncertain significance for Hereditary cancer-predisposing syndrome. Last evaluated: 2025-08-27. Review status: criteria provided, single submitter. Criteria: Ambry Variant Classification Scheme 2023. Collection method: clinical testing. Allele origin: germline.
Comment: The p.Q261L variant (also known as c.782A>T), located in coding exon 9 of the MUTYH gene, results from an A to T substitution at nucleotide position 782. The glutamine at codon 261 is replaced by leucine, an amino acid with dissimilar properties. This amino acid position is conserved. In addition, this alteration is predicted to be tolerated by in silico analysis. Based on the available evidence, the clinical significance of this variant remains unclear.

NM_001048174.2(MUTYH):c.698A>T (p.Gln233Leu)

Gene: MUTYH (mutY DNA glycosylase; minus strand). Cytogenetic location: 1p34.1.
Variant type: single nucleotide variant.
Coding change: c.698A>T on transcript NM_001048174.2 (MANE Select); coding-DNA position 698, A replaced by T.
Protein change: p.Gln233Leu; replaces glutamine 233 with leucine.
Molecular consequence: missense variant. On other transcripts: non-coding transcript variant (7).
Genome position (GRCh38, 1-based): chr1:45,332,397, T>A on the plus strand (A>T on the coding strand, the complement: MUTYH is on the minus strand). VCF-style: chr1-45332397-T-A. GRCh37 (hg19) VCF-style: chr1-45798069-T-A.
Other names: c.731A>T, p.Gln244Leu (NM_001293191.2, NM_001407069.1, NM_001407077.1); c.422A>T, p.Gln141Leu (NM_001293192.2, NM_001293196.2, NM_001407091.1); c.698A>T, p.Gln233Leu (NM_001293195.2, NM_001407070.1, NM_001407088.1 and 6 more transcripts); c.353A>T, p.Gln118Leu (NM_001350650.2, NM_001350651.2, NM_001407082.1); c.701A>T, p.Gln234Leu (NM_001407071.1, NM_001407086.1, NM_001048172.2 and 1 more transcripts); c.740A>T, p.Gln247Leu (NM_001407085.1, NM_001407083.1); c.719A>T, p.Gln240Leu (NM_001407087.1); c.773A>T, p.Gln258Leu (NM_012222.3); and 5 more; short protein forms Q118L, Q205L, Q219L, Q247L, Q141L, Q234L, Q240L, Q258L.
Identifiers: ClinVar variation 4113840 (VCV004113840.1).